The following is an entry in ClinVar:

ClinVar aggregate classification (germline): Uncertain significance (1 of 4 stars; one submission).

Conditions:
Hereditary cancer-predisposing syndrome. Also called: Tumor predisposition; Hereditary neoplastic syndrome; Neoplastic Syndromes, Hereditary; Hereditary Cancer Syndrome. Identifiers: Orphanet 140162, MedGen C0027672, MeSH D009386, MONDO:0015356.
Cardiovascular phenotype. Identifiers: MedGen CN230736.

Allele frequency attached by ClinVar (database versions not stated): gnomAD exomes below 0.00001.
gnomAD v4.1: 1 of 1,609,046 alleles (0.000062%); highest among the groups gnomAD compares: South Asian, 0.0011%; no homozygotes.

Submission:

Ambry Genetics
Classification: Uncertain significance for Cardiovascular phenotype; Hereditary cancer-predisposing syndrome. Last evaluated: 2026-05-21. Review status: criteria provided, single submitter. Criteria: Ambry Variant Classification Scheme 2023. Collection method: clinical testing. Allele origin: germline.
Comment: The p.P481L variant (also known as c.1442C>T), located in coding exon 13 of the NF1 gene, results from a C to T substitution at nucleotide position 1442. The proline at codon 481 is replaced by leucine, an amino acid with similar properties. This amino acid position is well conserved in available vertebrate species. In addition, this alteration is predicted to be tolerated by in silico analysis. Based on the available evidence, the clinical significance of this variant remains unclear.

NM_001042492.3(NF1):c.1442C>T (p.Pro481Leu)

Gene: NF1 (neurofibromin 1; plus strand). Cytogenetic location: 17q11.2.
Variant type: single nucleotide variant.
Coding change: c.1442C>T on transcript NM_001042492.3 (MANE Select); coding-DNA position 1442, C replaced by T.
Protein change: p.Pro481Leu; replaces proline 481 with leucine.
Molecular consequence: missense variant.
Genome position (GRCh38, 1-based): chr17:31,214,500, C>T. VCF-style: chr17-31214500-C-T. GRCh37 (hg19) VCF-style: chr17-29541518-C-T.
Other names: c.1442C>T, p.Pro481Leu (NM_000267.4, NM_001128147.3); short protein forms P481L.
Identifiers: ClinVar variation 481978 (VCV000481978.6), dbSNP rs1355572914, ClinGen allele CA399001525.
Genomic context (GRCh38, chr17:31,214,500, plus strand): 5'-TTTGTTTTTAGAGTCTTACATTTAAAGAAAAAGTAACAAGCCTTAAATTTAAAGAAAAAC[C>T]TACAGACCTGGAGACAAGAAGCTATAAGTATCTTCTCTTGTCCATGGTGAAACTAATTCA-3'
Protein context (NP_001035957.1, residues 471-491): KVTSLKFKEK[Pro481Leu]TDLETRSYKY